The following is an entry in ClinVar:

ClinVar aggregate classification (germline): Likely benign (0 of 4 stars; one submission).

Conditions:
UPB1-related disorder. Also called: UPB1-related condition.

gnomAD v4.1: 66 of 1,613,646 alleles (0.0041%); highest among the groups gnomAD compares: Non-Finnish European, 0.005%; no homozygotes.

Submission:

PreventionGenetics, part of Exact Sciences
Classification: Likely benign for UPB1-related condition. Last evaluated: 2020-01-13. Review status: no assertion criteria provided. Collection method: clinical testing. Allele origin: germline.
Comment: This variant is classified as likely benign based on ACMG/AMP sequence variant interpretation guidelines (Richards et al. 2015 PMID: 25741868, with internal and published modifications).

NM_016327.3(UPB1):c.873C>A (p.Thr291=)

Gene: UPB1 (beta-ureidopropionase 1; plus strand). Cytogenetic location: 22q11.23.
Variant type: single nucleotide variant.
Coding change: c.873C>A on transcript NM_016327.3 (MANE Select); coding-DNA position 873, C replaced by A.
Protein change: p.Thr291=; no amino-acid change (threonine 291 retained).
Molecular consequence: synonymous variant.
Genome position (GRCh38, 1-based): chr22:24,520,468, C>A. VCF-style: chr22-24520468-C-A. GRCh37 (hg19) VCF-style: chr22-24916436-C-A.
Identifiers: ClinVar variation 3051810 (VCV003051810.2), dbSNP rs745312176, ClinGen allele CA322679432.